The following is an entry in ClinVar:

NM_002055.5(GFAP):c.516T>C (p.Tyr172=)

Gene: GFAP (glial fibrillary acidic protein; minus strand). Cytogenetic location: 17q21.31.
Variant type: single nucleotide variant.
Coding change: c.516T>C on transcript NM_002055.5 (MANE Select); coding-DNA position 516, T replaced by C.
Protein change: p.Tyr172=; no amino-acid change (tyrosine 172 retained).
Molecular consequence: synonymous variant.
Genome position (GRCh38, 1-based): chr17:44,914,034, A>G on the plus strand (T>C on the coding strand, the complement: GFAP is on the minus strand). VCF-style: chr17-44914034-A-G. GRCh37 (hg19) VCF-style: chr17-42991402-A-G.
Other names: p.Tyr172=; c.516T>C, p.Tyr172= (NM_001131019.3, NM_001242376.3, NM_001363846.2).
Identifiers: ClinVar variation 1984571 (VCV001984571.15), dbSNP rs143583428, ClinGen allele CA8608998.

ClinVar aggregate classification (germline): Likely benign. Review status: criteria provided, multiple submitters, no conflicts (2 of 4 stars). 3 submissions from 3 submitters: Likely benign (3). Last evaluated 2026-09-01.

Allele frequency attached by ClinVar (database versions not stated): gnomAD exomes 0.00002; TOPMed 0.00003; ExAC 0.00004; gnomAD 0.00005; ESP Exome Variant Server 0.00008.
gnomAD v4.1: 45 of 1,555,684 alleles (0.0029%); highest among the groups gnomAD compares: Non-Finnish European, 0.0035%; no homozygotes.

Submissions (3):

CeGaT Center for Human Genetics Tuebingen
Classification: Likely benign. Last evaluated: 2026-09-01. Review status: criteria provided, single submitter. Criteria: CeGaT Center For Human Genetics Tuebingen Variant Classification Criteria Version 2. Collection method: clinical testing. Allele origin: germline. Affected: yes. Observed: 2 variant alleles.
Comment: GFAP: BP4, BP7

Mayo Clinic Laboratories, Mayo Clinic
Classification: Likely benign. Last evaluated: 2025-05-22. Review status: criteria provided, single submitter. Criteria: ACMG Guidelines, 2015. Collection method: clinical testing. Allele origin: germline. Observed: 1 variant allele.
Comment: BP4, BP7

Labcorp Genetics (formerly Invitae), Labcorp
Classification: Likely benign. Last evaluated: 2022-12-15. Review status: criteria provided, single submitter. Criteria: Invitae Variant Classification Sherloc (09022015). Collection method: clinical testing. Allele origin: germline.